The following is an entry in ClinVar:

NM_001166108.2(PALLD):c.1965-12529G>A

Gene: PALLD (palladin, cytoskeletal associated protein; plus strand). Cytogenetic location: 4q32.3.
Variant type: single nucleotide variant.
Coding change: c.1965-12529G>A on transcript NM_001166108.2 (MANE Select); 12529 bases into the intron before coding-DNA position 1965, G replaced by A.
Molecular consequence: intron variant. On other transcripts: missense variant (1).
Genome position (GRCh38, 1-based): chr4:168,878,393, G>A. VCF-style: chr4-168878393-G-A. GRCh37 (hg19) VCF-style: chr4-169799544-G-A.
Other names: c.502G>A, p.Ala168Thr (NM_001166110.2); c.1965-12529G>A (NM_016081.4); c.819-12529G>A (NM_001166109.2); c.-157-12529G>A (NM_001367570.1, NM_001367568.1, NM_001367567.1 and 1 more transcripts); short protein forms A168T.
Identifiers: ClinVar variation 3885258 (VCV003885258.1).

ClinVar aggregate classification (germline): Uncertain significance (1 of 4 stars; one submission).

gnomAD v4.1: 6 of 1,487,730 alleles (0.0004%); highest among the groups gnomAD compares: Non-Finnish European, 0.00044%; no homozygotes.

Submission:

Ambry Genetics
Classification: Uncertain significance. Last evaluated: 2024-12-12. Review status: criteria provided, single submitter. Criteria: Ambry Variant Classification Scheme 2023. Collection method: clinical testing. Allele origin: germline.
Comment: The p.A168T variant (also known as c.502G>A), located in coding exon 1 of the PALLD gene, results from a G to A substitution at nucleotide position 502. The alanine at codon 168 is replaced by threonine, an amino acid with similar properties. This amino acid position is conserved. In addition, this alteration is predicted to be tolerated by in silico analysis. Based on the available evidence, the clinical significance of this variant remains unclear.